The following continues an entry in ClinVar:

NM_138413.4(HOGA1):c.700+5G>T

Gene: HOGA1. ClinVar aggregate classification (germline): Pathogenic. Pathogenic (22).

Submissions 14 to 31 of 31:

Victorian Clinical Genetics Services, Murdoch Childrens Research Institute
Classification: Pathogenic for Primary hyperoxaluria type 3. Last evaluated: 2023-07-16. Review status: criteria provided, single submitter. Criteria: ACMG Guidelines, 2015. Collection method: clinical testing. Allele origin: germline. Inheritance: Autosomal recessive inheritance. Affected: yes.
Comment: Based on the classification scheme VCGS_Germline_v1.3.4, this variant is classified as Pathogenic. Following criteria are met: 0102 - Loss of function is a known mechanism of disease in this gene and is associated with primary hyperoxaluria type III (MIM#613616). (I) 0106 - This gene is associated with autosomal recessive disease. (I) 0115 - Variants in this gene are known to have variable expressivity with regard to phenotype severity and age of onset (PMID: 25644115). (I) 0209 - Splice site variant proven to affect splicing of the transcript with uncertain effect on protein sequence. This variant has been shown by RNA studies to result in the use of a cryptic splice site, which is predicted to result in an inframe insertion of 17 amino acids (PMID: 21896830, 22391140). (SP) 0251 - This variant is heterozygous. (I) 0304 - Variant is present in gnomAD (v2) <0.01 for a recessive condition (335 heterozygotes, 1 homozygote). (SP) 0801 - This variant has strong previous evidence of pathogenicity in unrelated individuals. This variant is the most common primary hyperoxaluria type III-associated variant in European populations (ClinVar; PMID: 21896830, 22391140, 25644115). (SP) 1101 - Very strong and specific phenotype match for this individual. (SP) 1208 - Inheritance information for this variant is not currently available in this individual. (I) Legend: (SP) - Supporting pathogenic, (I) - Information, (SB) - Supporting benign

Department of Pathology and Laboratory Medicine, Sinai Health System
Classification: Pathogenic for Primary hyperoxaluria type 3. Last evaluated: 2023-05-12. Review status: criteria provided, single submitter. Criteria: ACMG Guidelines, 2015. Collection method: research. Allele origin: germline.

Clinical Genomics Laboratory, Stanford Medicine
Classification: Pathogenic for Primary hyperoxaluria type 3. Last evaluated: 2022-10-24. Review status: criteria provided, single submitter. Criteria: ACMG Guidelines, 2015. Collection method: clinical testing. Allele origin: germline. Inheritance: Autosomal recessive inheritance. Observed: 1 variant allele, 1 heterozygote.

Women's Health and Genetics/Laboratory Corporation of America, LabCorp
Classification: Pathogenic for Primary hyperoxaluria type 3. Last evaluated: 2022-06-28. Review status: criteria provided, single submitter. Criteria: LabCorp Variant Classification Summary - May 2015. Collection method: clinical testing. Allele origin: germline.
Comment: Variant summary: HOGA1 c.700+5G>T alters a conserved nucleotide located close to a canonical splice site and therefore could affect mRNA splicing, leading to a significantly altered protein sequence. Several computational tools predict a significant impact on normal splicing: Two predict the variant abolishes a 5' splicing donor site. Indeed, it has been demonstrated that the variant weakens the wild-type 5' donor splice site resulting instead in the activation of a downstream cryptic splice site which produces an in-frame insertion of 51 nucleotides (17 codons) from intron 5 (e.g. Monico_2011, Williams_2012).The variant allele was found at a frequency of 0.0012 in 251412 control chromosomes in the gnomAD database, including 1 homozygote. This frequency is not significantly higher than expected for a pathogenic variant in HOGA1 causing Primary Hyperoxaluria, Type III (0.0012 vs 0.0015). c.700+5G>T has been reported in the literature in many homozygous and compound heterozygous individuals affected with Primary Hyperoxaluria, Type III, predominantly of European ancestry (e.g. Belostotsky_2010, Monico_2011, Williams_2012, Beck_2013, Williams_2015). It is described as a common pathogenic variant in HOGA1, having been reported at allele frequencies of 47-67% in patients with Primary Hyperoxaluria, Type III and it has been suggeted that it represents a founder variant in the northern European population (Williams_2012, Beck_2013). These data indicate that the variant is very likely to be associated with disease. Ten assessments for this variant have been submitted to ClinVar after 2014 and all classified the variant as pathogenic. Based on the evidence outlined above, the variant was classified as pathogenic.

GeneDx
Classification: Pathogenic. Last evaluated: 2021-02-17. Review status: criteria provided, single submitter. Criteria: GeneDx Variant Classification Process June 2021. Collection method: clinical testing. Allele origin: germline. Affected: yes.
Comment: Published functional studies demonstrate the variant results in an in-frame insertion of 51bp due to weakening of the natural splice site and use of a downstream cryptic splice site (Monico et al., 2011; Williams et al., 2012; Beck et al., 2013); In silico analysis, which includes splice predictors and evolutionary conservation, supports a deleterious effect; This variant is associated with the following publications: (PMID: 22391140, 25644115, 30609409, 21896830, 24563386, 20797690, 22781098, 27096395, 26401545, 22851625, 26340091, 25629080, 25972204, 28711958, 27838384, 31980526, 34426522, 31589614, 33226606)

Myriad Genetics, Inc.
Classification: Pathogenic for Primary hyperoxaluria type 3. Last evaluated: 2019-12-17. Review status: criteria provided, single submitter. Criteria: Myriad Women's Health Autosomal Recessive and X-Linked Classification Criteria (2019). Collection method: clinical testing. Allele origin: unknown.
Comment: NM_138413.3(HOGA1):c.700+5G>T is classified as pathogenic in the context of primary hyperoxaluria type 3. Sources cited for classification include the following: PMID 22781098, 22391140, 21896830 and 20797690. Classification of NM_138413.3(HOGA1):c.700+5G>T is based on the following criteria: This is a well-established pathogenic variant in the literature that has been observed more frequently in patients with clinical diagnoses than in healthy populations. Please note: this variant was assessed in the context of healthy population screening.

Illumina Laboratory Services, Illumina
Classification: Pathogenic for Primary hyperoxaluria type 3. Last evaluated: 2018-12-07. Review status: criteria provided, single submitter. Criteria: ICSL Variant Classification Criteria 09 May 2019. Collection method: clinical testing. Allele origin: germline.
Comment: The HOGA1 c.700+5G>T splice_region variant has been reported in at least six studies in which it is found in at least 36 patients with primary hyperoxaluria, including in 24 in a homozygous state and in 12 in a compound heterozygous state (Belostotsky et al. 2010; Monico et al. 2011; Williams et al. 2012; Beck et al. 2013; Hopp et al. 2015). This variant is described as the most common pathogenic variant in the HOGA1 gene, being identified in 67% of disease alleles (Hoppe et al. 2012). The c.700+5G>T variant was absent from 113 controls, but is reported at a frequency of 0.00302 in the European American population of the Exome Aggregation Consortium. Williams et al. (2012) utilized RNA from a patient who was homozygous for the c.700+5G>T variant to demonstrate that there was activation of a cryptic splice site via an inframe insertion of 51 nucleotides and 17 amino acids. Based on the collective evidence, the c.700+5G>T variant is classified as pathogenic for primary hyperoxaluria. This variant was observed by ICSL as part of a predisposition screen in an ostensibly healthy population.

Fulgent Genetics
Classification: Pathogenic for Primary hyperoxaluria type 3. Last evaluated: 2018-10-31. Review status: criteria provided, single submitter. Criteria: ACMG Guidelines, 2015. Collection method: clinical testing. Allele origin: unknown.

Laboratory for Molecular Medicine, Mass General Brigham Personalized Medicine
Classification: Pathogenic for Primary hyperoxaluria, type III. Last evaluated: 2016-04-05. Review status: criteria provided, single submitter. Criteria: LMM Criteria. Collection method: clinical testing. Allele origin: germline. Inheritance: Autosomal recessive inheritance. Observed: 5 variant alleles.
Comment: The c.700+5G>T variant in HOGA1 is one of the most common HOGA1 pathogenic varia nts in patients with primary hyperoxaluria type 3 (Belostosky 2010, Williams 201 2). This variant has been identified in 0.2% (247/126672) of European chromosome s by the Genome Aggregation Database (gnomAD; dbSNP rs185803104). Although this variant has been seen in the general populati on, its frequency is low enough to be consistent with a recessive carrier freque ncy. This variant is located in the 5' splice region and was demonstrated to lea d to altered splicing and in-frame insertion of 52 nucleotides in patient cells (Monico 2011, Williams 2012). In summary, this variant meets our criteria to be classified as pathogenic for primary hyperoxaluria type 3 in an autosomal recess ive manner. ACMG/AMP Criteria applied: PM3_VeryStrong; PM2; PM4.

Clinical Biochemistry Laboratory, Health Services Laboratory
Classification: Pathogenic for Primary hyperoxaluria, type III. Last evaluated: 2014-11-27. Review status: no assertion criteria provided. Collection method: research. Allele origin: germline. Affected: yes. Not counted in ClinVar's aggregate classification.
Comment: Abnormally spliced hepatic RNA (PMID:22391140)

Dr. Peter K. Rogan Lab, Western University
No classification provided (evidence only). Condition: Melanoma. Review status: no classification provided. Collection method: in vitro. Allele origin: not applicable. Functional consequence: retained intron. Not counted in ClinVar's aggregate classification.

Dr. Peter K. Rogan Lab, Western University
No classification provided (evidence only). Condition: Familial cancer of breast. Review status: no classification provided. Collection method: in vitro. Allele origin: not applicable. Functional consequence: retained intron. Not counted in ClinVar's aggregate classification.

Dr. Peter K. Rogan Lab, Western University
No classification provided (evidence only). Condition: Familial cancer of breast. Review status: no classification provided. Collection method: in vitro. Allele origin: not applicable. Functional consequence: retained intron. Not counted in ClinVar's aggregate classification.

Dr. Peter K. Rogan Lab, Western University
No classification provided (evidence only). Condition: Colon adenocarcinoma. Review status: no classification provided. Collection method: in vitro. Allele origin: not applicable. Functional consequence: retained intron. Not counted in ClinVar's aggregate classification.

Dr. Peter K. Rogan Lab, Western University
No classification provided (evidence only). Condition: Ovarian serous cystadenocarcinoma. Review status: no classification provided. Collection method: in vitro. Allele origin: not applicable. Functional consequence: retained intron. Not counted in ClinVar's aggregate classification.

Dr. Peter K. Rogan Lab, Western University
No classification provided (evidence only). Condition: Ovarian serous cystadenocarcinoma. Review status: no classification provided. Collection method: in vitro. Allele origin: not applicable. Functional consequence: retained intron. Not counted in ClinVar's aggregate classification.

Dr. Peter K. Rogan Lab, Western University
No classification provided (evidence only). Condition: Malignant tumor of esophagus. Review status: no classification provided. Collection method: in vitro. Allele origin: not applicable. Functional consequence: retained intron. Not counted in ClinVar's aggregate classification.

GeneReviews
No classification provided. Condition: Primary hyperoxaluria type 3. Review status: no classification provided. Collection method: literature only. Allele origin: germline. Affected: yes. Not counted in ClinVar's aggregate classification.
Comment: Results in an in-frame insertion of 51 bp (17 amino acids).

Literature cited by the submitters: PubMed 21896830 (cited by 10 submitters); PubMed 22781098 (cited by 8 submitters); PubMed 22391140 (cited by 8 submitters); PubMed 24563386 (cited by 4 submitters); PubMed 25644115 (cited by 5 submitters); PubMed 17576681 (cited by Labcorp Genetics (formerly Invitae), Labcorp); PubMed 9536098 (cited by Labcorp Genetics (formerly Invitae), Labcorp); PubMed 20797690 (cited by 7 submitters); PubMed 27096395 (cited by Rare Kidney Stone Consortium and the Mayo Clinic Hyperoxaluria Center, Mayo Clinic and Mayo Clinic Laboratories, Mayo Clinic); PubMed 31589614 (cited by Rare Kidney Stone Consortium and the Mayo Clinic Hyperoxaluria Center, Mayo Clinic and Mayo Clinic Laboratories, Mayo Clinic); PubMed 30609409 (cited by Rare Kidney Stone Consortium and the Mayo Clinic Hyperoxaluria Center, Mayo Clinic and Mayo Clinic Laboratories, Mayo Clinic); PubMed 31980526 (cited by Rare Kidney Stone Consortium and the Mayo Clinic Hyperoxaluria Center, Mayo Clinic and Mayo Clinic Laboratories, Mayo Clinic); PubMed 33226606 (cited by Rare Kidney Stone Consortium and the Mayo Clinic Hyperoxaluria Center, Mayo Clinic and Mayo Clinic Laboratories, Mayo Clinic); PubMed 34426522 (cited by Rare Kidney Stone Consortium and the Mayo Clinic Hyperoxaluria Center, Mayo Clinic); PubMed 40794449 (cited by Rare Kidney Stone Consortium and the Mayo Clinic Hyperoxaluria Center, Mayo Clinic); PubMed 25972204 (cited by Natera, Inc.); PubMed 33865885 (cited by Mayo Clinic Laboratories, Mayo Clinic); PubMed 36185032 (cited by Mayo Clinic Laboratories, Mayo Clinic); PubMed 37306718 (cited by Mayo Clinic Laboratories, Mayo Clinic); PubMed 37318624 (cited by Mayo Clinic Laboratories, Mayo Clinic); PubMed 39810772 (cited by Mayo Clinic Laboratories, Mayo Clinic); PubMed 25629080 (cited by Women's Health and Genetics/Laboratory Corporation of America, LabCorp); PubMed 22851625 (cited by Illumina Laboratory Services, Illumina); NCBI Bookshelf NBK316514 (cited by GeneReviews).